The following is an entry in ClinVar:

ClinVar aggregate classification (germline): Likely benign. Review status: criteria provided, multiple submitters, no conflicts (2 of 4 stars). 2 submissions from 2 submitters: Likely benign (2). Last evaluated 2023-10-02.

Conditions:
Hypertrophic cardiomyopathy. Also called: HYPERTROPHIC MYOCARDIOPATHY. Identifiers: Orphanet 217569, MedGen C0007194, MeSH D002312, MONDO:0005045, HP:0001639.

Allele frequency attached by ClinVar (database versions not stated): gnomAD exomes below 0.00001.
gnomAD v4.1: 1 of 1,601,092 alleles (0.000062%); highest among the groups gnomAD compares: Non-Finnish European, 0.000085%; no homozygotes.

Submissions (2):

All of Us Research Program, National Institutes of Health
Classification: Likely benign for Hypertrophic cardiomyopathy. Last evaluated: 2023-10-02. Review status: criteria provided, single submitter. Criteria: ACMG Guidelines, 2015. Collection method: clinical testing. Allele origin: germline. Inheritance: Autosomal dominant inheritance. Observed: 3 variant alleles, 3 heterozygotes.
Comment: This study involves interpretation of variants in research participants for the purpose of population health screening. Participant phenotype was not available at the time of variant classification. Additional details can be found in publication PMID: 35346344, PMCID: PMC8962531

Labcorp Genetics (formerly Invitae), Labcorp
Classification: Likely benign for Hypertrophic cardiomyopathy. Last evaluated: 2022-12-23. Review status: criteria provided, single submitter. Criteria: Invitae Variant Classification Sherloc (09022015). Collection method: clinical testing. Allele origin: germline.

NM_000363.5(TNNI3):c.81C>T (p.Arg27=)

Gene: TNNI3 (troponin I3, cardiac type; minus strand). Cytogenetic location: 19q13.42.
Variant type: single nucleotide variant.
Coding change: c.81C>T on transcript NM_000363.5 (MANE Select); coding-DNA position 81, C replaced by T.
Protein change: p.Arg27=; no amino-acid change (arginine 27 retained).
Molecular consequence: synonymous variant.
Genome position (GRCh38, 1-based): chr19:55,157,077, G>A on the plus strand (C>T on the coding strand, the complement: TNNI3 is on the minus strand). VCF-style: chr19-55157077-G-A. GRCh37 (hg19) VCF-style: chr19-55668445-G-A.
Identifiers: ClinVar variation 2893521 (VCV002893521.4), dbSNP rs2515503711, ClinGen allele CA508989635.